The following is an entry in ClinVar:

ClinVar aggregate classification (germline): Likely benign. Review status: criteria provided, multiple submitters, no conflicts (2 of 4 stars). 3 submissions from 3 submitters: Likely benign (3). Last evaluated 2025-08-12.

Conditions:
Intellectual developmental disorder, X-linked 1. Also called: Intellectual disability, X-linked 1; Atkin Flaitz Patil Smith syndrome; MENTAL RETARDATION, X-LINKED 18; MENTAL RETARDATION, X-LINKED 78. Identifiers: Orphanet 777, MedGen C2931498, MONDO:0010656, OMIM 309530.
Inborn genetic diseases. Identifiers: MedGen C0950123, MeSH D030342.

Allele frequency attached by ClinVar (database versions not stated): gnomAD 0.00003 and 0.00004; TOPMed 0.00002.
gnomAD v4.1: 46 of 1,150,742 alleles (0.004%); highest among the groups gnomAD compares: Non-Finnish European, 0.005%; no homozygotes.

Submissions (3):

Labcorp Genetics (formerly Invitae), Labcorp
Classification: Likely benign for Intellectual developmental disorder, X-linked 1. Last evaluated: 2025-08-12. Review status: criteria provided, single submitter. Criteria: Invitae Variant Classification Sherloc (09022015). Collection method: clinical testing. Allele origin: germline.

Ambry Genetics
Classification: Likely benign for Inborn genetic diseases. Last evaluated: 2017-07-25. Review status: criteria provided, single submitter. Criteria: Ambry Variant Classification Scheme 2023. Collection method: clinical testing. Allele origin: germline.

GeneDx
Classification: Likely benign. Last evaluated: 2016-09-02. Review status: criteria provided, single submitter. Criteria: GeneDx Variant Classification (06012015). Collection method: clinical testing. Allele origin: germline. Affected: yes.
Comment: This variant is considered likely benign or benign based on one or more of the following criteria: it is a conservative change, it occurs at a poorly conserved position in the protein, it is predicted to be benign by multiple in silico algorithms, and/or has population frequency not consistent with disease.

NM_001111125.3(IQSEC2):c.3825G>A (p.Pro1275=)

Gene: IQSEC2 (IQ motif and Sec7 domain ArfGEF 2; minus strand). Cytogenetic location: Xp11.22.
Variant type: single nucleotide variant.
Coding change: c.3825G>A on transcript NM_001111125.3 (MANE Select); coding-DNA position 3825, G replaced by A.
Protein change: p.Pro1275=; no amino-acid change (proline 1275 retained).
Molecular consequence: synonymous variant. On other transcripts: 3 prime UTR variant (1).
Genome position (GRCh38, 1-based): chrX:53,234,861, C>T on the plus strand (G>A on the coding strand, the complement: IQSEC2 is on the minus strand). VCF-style: chrX-53234861-C-T. GRCh37 (hg19) VCF-style: chrX-53264043-C-T.
Other names: c.*310G>A (NM_015075.2).
Identifiers: ClinVar variation 388931 (VCV000388931.8), dbSNP rs1057523277, ClinGen allele CA16608511.